The following is an entry in ClinVar:

NM_000216.4(ANOS1):c.2015A>G (p.His672Arg)

Gene: ANOS1 (anosmin 1; minus strand). Cytogenetic location: Xp22.31.
Variant type: single nucleotide variant.
Coding change: c.2015A>G on transcript NM_000216.4 (MANE Select); coding-DNA position 2015, A replaced by G.
Protein change: p.His672Arg; replaces histidine 672 with arginine.
Molecular consequence: missense variant.
Genome position (GRCh38, 1-based): chrX:8,533,023, T>C on the plus strand (A>G on the coding strand, the complement: ANOS1 is on the minus strand). VCF-style: chrX-8533023-T-C. GRCh37 (hg19) VCF-style: chrX-8501064-T-C.
Other names: short protein forms H672R.
Identifiers: ClinVar variation 224350 (VCV000224350.11), dbSNP rs199771303, ClinGen allele CA10343498.
Genomic context (GRCh38, chrX:8,533,023, plus strand): 5'-CTGTGCAATTTCACAAAATCTTTTTGAACAGTTTAGTATCTTTCTGGAGAAGGCTTGTAA[T>C]GATGTGGATGACGATGCTTAAGATGAGATCCTAAAAAGTGACAAAATATGTCAGTCACAT-3'
Protein context (NP_000207.2, residues 662-680): RSHLKHRHPH[His672Arg]YKPSPERY

ClinVar aggregate classification (germline): Conflicting classifications of pathogenicity. Review status: criteria provided, conflicting classifications (1 of 4 stars). 4 submissions from 4 submitters: Uncertain significance (1); Benign (1); Likely benign (1). 1 of the submissions does not count toward it. Last evaluated 2025-11-08.

Conditions:
Hypogonadotropic hypogonadism 1 with or without anosmia (HH1). Also called: HYPOGONADOTROPIC HYPOGONADISM AND ANOSMIA; HYPOGONADOTROPIC HYPOGONADISM 1 WITH ANOSMIA; Hypogonadotropic hypogonadism 1 with or without anosmia (Kallmann syndrome 1); KAL1-Related GnRH Deficiency (Kallmann Syndrome 1; Kallmann Syndrome, X-Linked); Kallmann syndrome, type 1, X-linked; DYSPLASIA OLFACTOGENITALIS OF DE MORSIER. Identifiers: Orphanet 478, MedGen C1563719, MONDO:0010635, OMIM 308700. Disease mechanism: loss of function.
Amenorrhea. Identifiers: MedGen C0002453, MONDO:0001836, HP:0000141.

Allele frequency attached by ClinVar (database versions not stated): gnomAD 0.00041 and 0.00037; ESP Exome Variant Server 0.00009; ExAC 0.00026; 1000 Genomes Project 30x 0.00021; 1000 Genomes Project 0.00026; gnomAD exomes 0.00028; TOPMed 0.00032.
gnomAD v4.1: 336 of 1,170,607 alleles (0.029%); highest among the groups gnomAD compares: Middle Eastern, 0.047%; 1 homozygote.

Submissions (4):

Labcorp Genetics (formerly Invitae), Labcorp
Classification: Benign for Hypogonadotropic hypogonadism 1 with or without anosmia. Last evaluated: 2025-11-08. Review status: criteria provided, single submitter. Criteria: Invitae Variant Classification Sherloc (09022015). Collection method: clinical testing. Allele origin: germline.

GeneDx
Classification: Likely benign. Last evaluated: 2016-10-05. Review status: criteria provided, single submitter. Criteria: GeneDx Variant Classification (06012015). Collection method: clinical testing. Allele origin: germline. Affected: yes.
Comment: This variant is considered likely benign or benign based on one or more of the following criteria: it is a conservative change, it occurs at a poorly conserved position in the protein, it is predicted to be benign by multiple in silico algorithms, and/or has population frequency not consistent with disease.

Lupski Lab, Baylor-Hopkins CMG, Baylor College of Medicine
Classification: Uncertain significance for Hypogonadotropic hypogonadism 1 with or without anosmia. Review status: criteria provided, single submitter. Criteria: Bekheirnia et al. (Genet Med. 2016). Collection method: research. Allele origin: unknown. Inheritance: Autosomal dominant inheritance. Affected: yes. Observed: 1 heterozygote.

Yale Center for Mendelian Genomics, Yale University
Classification: Uncertain significance for Amenorrhea. Last evaluated: 2021-03-08. Review status: no assertion criteria provided. Collection method: literature only. Allele origin: unknown. Affected: yes. Observed: 1 heterozygote. Study: Yale Center for Mendelian Genomics. Not counted in ClinVar's aggregate classification.

Literature cited by the submitters: PubMed 32870266 (cited by Yale Center for Mendelian Genomics, Yale University).